The following is an entry in ClinVar:

ClinVar aggregate classification (germline): Conflicting classifications of pathogenicity. Review status: criteria provided, conflicting classifications (1 of 4 stars). 2 submissions from 2 submitters: Uncertain significance (1); Likely benign (1). Last evaluated 2022-05-07.

Conditions:
Mitochondrial DNA depletion syndrome 13. Also called: FBXL4-Related Encephalomyopathic Mitochondrial DNA Depletion Syndrome; Mitochondrial DNA depletion syndrome 13 (encephalomyopathic type). Identifiers: Orphanet 369897, MedGen C3809592, MONDO:0014198, OMIM 615471.

Allele frequency attached by ClinVar (database versions not stated): TOPMed below 0.00001; gnomAD 0.00001; gnomAD exomes 0.00001 and below 0.00001; ExAC 0.00002.
gnomAD v4.1: 5 of 1,613,930 alleles (0.00031%); highest among the groups gnomAD compares: South Asian, 0.0011%; no homozygotes.

Submissions (2):

Labcorp Genetics (formerly Invitae), Labcorp
Classification: Likely benign. Last evaluated: 2022-05-07. Review status: criteria provided, single submitter. Criteria: Invitae Variant Classification Sherloc (09022015). Collection method: clinical testing. Allele origin: germline.

Wong Mito Lab, Molecular and Human Genetics, Baylor College of Medicine
Classification: Uncertain significance for Mitochondrial DNA depletion syndrome 13. Last evaluated: 2017-08-10. Review status: criteria provided, single submitter. Criteria: ACMG Guidelines, 2015. Collection method: reference population. Allele origin: germline.
Comment: The NM_012160.4:c.1009C>T (NP_036292.2:p.Leu337=) [GRCH38: NC_000006.12:g.98905520G>A] variant in FBXL4 gene is interpretated to be a Uncertain Significance - Conflicting Evidence based on ACMG guidelines (PMID: 25741868). This variant meets one or more of the following evidence codes reported in the ACMG-guideline. PM2:This variant is absent in key population databases. BP4:Computational evidence/predictors indicate no impact on the FBXL4 structure, function, or protein-protein interaction. BP7:The variant is silent with non predicted splice impact. Based on this evidence code ClinGen Pathogenicity Calculator (PMID:28081714) suggested that the variant is Uncertain Significance - Conflicting Evidence.

NM_001278716.2(FBXL4):c.1009C>T (p.Leu337=)

Gene: FBXL4 (F-box and leucine rich repeat protein 4; minus strand). Cytogenetic location: 6q16.2.
Variant type: single nucleotide variant.
Coding change: c.1009C>T on transcript NM_001278716.2 (MANE Select); coding-DNA position 1009, C replaced by T.
Protein change: p.Leu337=; no amino-acid change (leucine 337 retained).
Molecular consequence: synonymous variant. On other transcripts: non-coding transcript variant (2).
Genome position (GRCh38, 1-based): chr6:98,905,520, G>A on the plus strand (C>T on the coding strand, the complement: FBXL4 is on the minus strand). VCF-style: chr6-98905520-G-A. GRCh37 (hg19) VCF-style: chr6-99353396-G-A.
Other names: c.1009C>T, p.Leu337= (NM_012160.5).
Identifiers: ClinVar variation 437674 (VCV000437674.5), dbSNP rs778318524, ClinGen allele CA3933564.
Genomic context (GRCh38, chr6:98,905,520, plus strand): 5'-TGCCAGTCCAAGATAAATTAAGCCACTGGACAAGAGTGCAGCGAGACTGTAGAAATTCCA[G>A]AGAAGTGTCATCTAGTTTTGCCCAGTATGGTTGCAGATTGAGGTGGATGTATTGCAGAGG-3'
Protein context (NP_001265645.1, residues 327-347): PYWAKLDDTS[Leu337=]EFLQSRCTLV